The following is an entry in ClinVar:

ClinVar aggregate classification (germline): Uncertain significance (1 of 4 stars; one submission).

Submission:

Labcorp Genetics (formerly Invitae), Labcorp
Classification: Uncertain significance. Last evaluated: 2022-11-01. Review status: criteria provided, single submitter. Criteria: Invitae Variant Classification Sherloc (09022015). Collection method: clinical testing. Allele origin: germline.
Comment: In summary, the available evidence is currently insufficient to determine the role of this variant in disease. Therefore, it has been classified as a Variant of Uncertain Significance. Advanced modeling of protein sequence and biophysical properties (such as structural, functional, and spatial information, amino acid conservation, physicochemical variation, residue mobility, and thermodynamic stability) has been performed at Invitae for this missense variant, however the output from this modeling did not meet the statistical confidence thresholds required to predict the impact of this variant on FAM111A protein function. This variant has not been reported in the literature in individuals affected with FAM111A-related conditions. This variant is not present in population databases (gnomAD no frequency). This sequence change replaces tryptophan, which is neutral and slightly polar, with arginine, which is basic and polar, at codon 362 of the FAM111A protein (p.Trp362Arg).

NM_001312909.2(FAM111A):c.1084T>C (p.Trp362Arg)

Gene: FAM111A (FAM111 trypsin like peptidase A; plus strand). Cytogenetic location: 11q12.1.
Variant type: single nucleotide variant.
Coding change: c.1084T>C on transcript NM_001312909.2 (MANE Select); coding-DNA position 1084, T replaced by C.
Protein change: p.Trp362Arg; replaces tryptophan 362 with arginine.
Molecular consequence: missense variant.
Genome position (GRCh38, 1-based): chr11:59,152,752, T>C. VCF-style: chr11-59152752-T-C. GRCh37 (hg19) VCF-style: chr11-58920225-T-C.
Other names: c.1084T>C, p.Trp362Arg (NM_001142519.3, NM_001142520.3, NM_001142521.3 and 29 more transcripts); short protein forms W362R.
Identifiers: ClinVar variation 2080216 (VCV002080216.4), dbSNP rs2496302647, ClinGen allele CA380780786.